The following is an entry in ClinVar:

ClinVar aggregate classification (germline): Uncertain significance. Review status: criteria provided, multiple submitters, no conflicts (2 of 4 stars). 3 submissions from 3 submitters: Uncertain significance (3). Last evaluated 2023-05-24.

Conditions:
Long QT syndrome 11 (LQT11). Identifiers: Orphanet 101016, Orphanet 768, MedGen C2678483, MONDO:0012738, OMIM 611820.
Cardiovascular phenotype. Identifiers: MedGen CN230736.
Long QT syndrome (LQTS). Identifiers: MedGen C0023976, MeSH D008133, MONDO:0002442. Disease mechanism: loss of function. Inheritance: Various modes of inheritance.

Submissions (3):

Ambry Genetics
Classification: Uncertain significance for Cardiovascular phenotype. Last evaluated: 2023-05-24. Review status: criteria provided, single submitter. Criteria: Ambry Variant Classification Scheme 2023. Collection method: clinical testing. Allele origin: germline.

Labcorp Genetics (formerly Invitae), Labcorp
Classification: Uncertain significance for Long QT syndrome. Last evaluated: 2022-08-16. Review status: criteria provided, single submitter. Criteria: Invitae Variant Classification Sherloc (09022015). Collection method: clinical testing. Allele origin: germline.
Comment: In summary, the available evidence is currently insufficient to determine the role of this variant in disease. Therefore, it has been classified as a Variant of Uncertain Significance. Algorithms developed to predict the effect of missense changes on protein structure and function are either unavailable or do not agree on the potential impact of this missense change (SIFT: "Tolerated"; PolyPhen-2: "Possibly Damaging"; Align-GVGD: "Class C0"). ClinVar contains an entry for this variant (Variation ID: 1056109). This variant has not been reported in the literature in individuals affected with AKAP9-related conditions. This variant is not present in population databases (gnomAD no frequency). This sequence change replaces tyrosine, which is neutral and polar, with histidine, which is basic and polar, at codon 3831 of the AKAP9 protein (p.Tyr3831His).

Fulgent Genetics
Classification: Uncertain significance for Long QT syndrome 11. Last evaluated: 2021-09-14. Review status: criteria provided, single submitter. Criteria: ACMG Guidelines, 2015. Collection method: clinical testing. Allele origin: unknown.

NM_005751.5(AKAP9):c.11491T>C (p.Tyr3831His)

Gene: AKAP9 (A-kinase anchoring protein 9; plus strand). Cytogenetic location: 7q21.2.
Variant type: single nucleotide variant.
Coding change: c.11491T>C on transcript NM_005751.5 (MANE Select); coding-DNA position 11491, T replaced by C.
Protein change: p.Tyr3831His; replaces tyrosine 3831 with histidine.
Molecular consequence: missense variant.
Genome position (GRCh38, 1-based): chr7:92,107,367, T>C. VCF-style: chr7-92107367-T-C. GRCh37 (hg19) VCF-style: chr7-91736681-T-C.
Other names: c.11491T>C (NM_005751.4); c.6136T>C, p.Tyr2046His (NM_001379277.1); c.11467T>C, p.Tyr3823His (NM_147185.3); short protein forms Y2046H, Y3823H, Y3831H.
Identifiers: ClinVar variation 1056109 (VCV001056109.11), dbSNP rs1818679501, ClinGen allele CA368164490.